The following is an entry in ClinVar:

NM_198576.4(AGRN):c.3325G>A (p.Ala1109Thr)

Gene: AGRN (agrin; plus strand). Cytogenetic location: 1p36.33.
Variant type: single nucleotide variant.
Coding change: c.3325G>A on transcript NM_198576.4 (MANE Select); coding-DNA position 3325, G replaced by A.
Protein change: p.Ala1109Thr; replaces alanine 1109 with threonine.
Molecular consequence: missense variant.
Genome position (GRCh38, 1-based): chr1:1,046,894, G>A. VCF-style: chr1-1046894-G-A. GRCh37 (hg19) VCF-style: chr1-982274-G-A.
Other names: c.3325G>A, p.Ala1109Thr (NM_001305275.2); c.3010G>A, p.Ala1004Thr (NM_001364727.2); short protein forms A1004T, A1109T.
Identifiers: ClinVar variation 663177 (VCV000663177.8), dbSNP rs1221116957, ClinGen allele CA337848393.

ClinVar aggregate classification (germline): Uncertain significance (1 of 4 stars; one submission).

Conditions:
Congenital myasthenic syndrome 8. Also called: MYASTHENIC SYNDROME, CONGENITAL, DUE TO AGRIN DEFICIENCY; Myasthenic syndrome, congenital, 8, with pre- and postsynaptic defects. Identifiers: Orphanet 590, MedGen C3808739, MONDO:0014052, OMIM 615120.

Allele frequency attached by ClinVar (database versions not stated): gnomAD exomes below 0.00001 and 0.00001; gnomAD 0.00001.
gnomAD v4.1: 6 of 1,583,156 alleles (0.00038%); highest among the groups gnomAD compares: Middle Eastern, 0.017%; no homozygotes.

Submission:

Labcorp Genetics (formerly Invitae), Labcorp
Classification: Uncertain significance for Congenital myasthenic syndrome 8. Last evaluated: 2024-08-30. Review status: criteria provided, single submitter. Criteria: Invitae Variant Classification Sherloc (09022015). Collection method: clinical testing. Allele origin: germline.
Comment: This sequence change replaces alanine, which is neutral and non-polar, with threonine, which is neutral and polar, at codon 1109 of the AGRN protein (p.Ala1109Thr). The frequency data for this variant in the population databases is considered unreliable, as metrics indicate poor data quality at this position in the gnomAD database. This variant has not been reported in the literature in individuals affected with AGRN-related conditions. ClinVar contains an entry for this variant (Variation ID: 663177). An algorithm developed to predict the effect of missense changes on protein structure and function (PolyPhen-2) suggests that this variant is likely to be disruptive. In summary, the available evidence is currently insufficient to determine the role of this variant in disease. Therefore, it has been classified as a Variant of Uncertain Significance.